The following is an entry in ClinVar:

ClinVar aggregate classification (germline): Uncertain significance (1 of 4 stars; one submission).

Submission:

Labcorp Genetics (formerly Invitae), Labcorp
Classification: Uncertain significance. Last evaluated: 2025-07-01. Review status: criteria provided, single submitter. Criteria: Invitae Variant Classification Sherloc (09022015). Collection method: clinical testing. Allele origin: germline.
Comment: This sequence change falls in intron 1 of the SMARCB1 gene. It does not directly change the encoded amino acid sequence of the SMARCB1 protein. It affects a nucleotide within the consensus splice site. This variant is not present in population databases (gnomAD no frequency). This variant has not been reported in the literature in individuals affected with SMARCB1-related conditions. ClinVar contains an entry for this variant (Variation ID: 3644440). Variants that disrupt the consensus splice site are a relatively common cause of aberrant splicing (PMID: 17576681, 9536098). Algorithms developed to predict the effect of sequence changes on RNA splicing suggest that this variant is not likely to affect RNA splicing. In summary, the available evidence is currently insufficient to determine the role of this variant in disease. Therefore, it has been classified as a Variant of Uncertain Significance.

Literature cited by the submitters: PubMed 17576681; PubMed 9536098.

NM_003073.5(SMARCB1):c.93+5C>G

Gene: SMARCB1 (SWI/SNF related BAF chromatin remodeling complex subunit B1; plus strand). Cytogenetic location: 22q11.23.
Variant type: single nucleotide variant.
Coding change: c.93+5C>G on transcript NM_003073.5 (MANE Select); 5 bases into the intron after coding-DNA position 93, C replaced by G.
Molecular consequence: intron variant.
Genome position (GRCh38, 1-based): chr22:23,787,267, C>G. VCF-style: chr22-23787267-C-G. GRCh37 (hg19) VCF-style: chr22-24129454-C-G.
Other names: c.93+5C>G (NM_001362877.2, NM_001317946.2, NM_001007468.3).
Identifiers: ClinVar variation 3644440 (VCV003644440.2).